The following is an entry in ClinVar:

ClinVar aggregate classification (germline): Pathogenic (1 of 4 stars; one submission).

Conditions:
Capillary malformation-arteriovenous malformation syndrome. Also called: Capillary malformation-arteriovenous malformation. Identifiers: Orphanet 137667, MedGen C1842180, MONDO:0012016.

Submission:

Labcorp Genetics (formerly Invitae), Labcorp
Classification: Pathogenic for Capillary malformation-arteriovenous malformation syndrome. Last evaluated: 2021-08-26. Review status: criteria provided, single submitter. Criteria: Invitae Variant Classification Sherloc (09022015). Collection method: clinical testing. Allele origin: germline.
Comment: This sequence change creates a premature translational stop signal (p.Ile505Lysfs*16) in the RASA1 gene. It is expected to result in an absent or disrupted protein product. Loss-of-function variants in RASA1 are known to be pathogenic (PMID: 24038909). This variant is not present in population databases (ExAC no frequency). This premature translational stop signal has been observed in individual(s) with capillary malformation-arteriovenous malformation (PMID: 29891884). For these reasons, this variant has been classified as Pathogenic.

Literature cited by the submitters: PubMed 24038909; PubMed 29891884.

NM_002890.2(RASA1):c.1513A[3](p.Ile505Lysfs)

Genes: CCNH (cyclin H; minus strand), RASA1 (RAS p21 protein activator 1; plus strand). Cytogenetic location: 5q14.3.
Variant type: Insertion.
Coding change: c.1513A[3](p.Ile505Lysfs) on transcript NM_002890.2.
Molecular consequence: frameshift variant (on NM_002890.3). On other transcripts: intron variant (1).
Other names: c.1513_1514insAA (NM_002890.2); c.1513_1514insAA, p.Ile505fs (NM_002890.3); c.982_983insAA, p.Ile328fs (NM_022650.3); c.933+31637_933+31638insTT (NM_001364075.2); short protein forms I328fs, I505fs.
Identifiers: ClinVar variation 440232 (VCV000440232.11), dbSNP rs1554048061, ClinGen allele CA891843301.